The following is an entry in ClinVar:

ClinVar aggregate classification (germline): Uncertain significance (1 of 4 stars; one submission).

Submission:

Women's Health and Genetics/Laboratory Corporation of America, LabCorp
Classification: Uncertain significance. Last evaluated: 2025-04-22. Review status: criteria provided, single submitter. Criteria: LabCorp Variant Classification Summary - May 2015. Collection method: clinical testing. Allele origin: germline.
Comment: Variant summary: VPS33B c.1703T>A (p.Ile568Asn) results in a non-conservative amino acid change in the encoded protein sequence. Five of five in-silico tools predict a damaging effect of the variant on protein function. The variant was absent in 251484 control chromosomes. The available data on variant occurrences in the general population are insufficient to allow any conclusion about variant significance. To our knowledge, no occurrence of c.1703T>A in individuals affected with VPS33B-Related Disorders and no experimental evidence demonstrating its impact on protein function have been reported. No submitters have cited clinical-significance assessments for this variant to ClinVar. Based on the evidence outlined above, the variant was classified as uncertain significance.

NM_018668.5(VPS33B):c.1703T>A (p.Ile568Asn)

Gene: VPS33B (VPS33B late endosome and lysosome associated; minus strand). Cytogenetic location: 15q26.1.
Variant type: single nucleotide variant.
Coding change: c.1703T>A on transcript NM_018668.5 (MANE Select); coding-DNA position 1703, T replaced by A.
Protein change: p.Ile568Asn; replaces isoleucine 568 with asparagine.
Molecular consequence: missense variant.
Genome position (GRCh38, 1-based): chr15:90,999,748, A>T on the plus strand (T>A on the coding strand, the complement: VPS33B is on the minus strand). VCF-style: chr15-90999748-A-T. GRCh37 (hg19) VCF-style: chr15-91542978-A-T.
Other names: c.1622T>A, p.Ile541Asn (NM_001289148.1); c.1430T>A, p.Ile477Asn (NM_001289149.1); short protein forms I477N, I541N, I568N.
Identifiers: ClinVar variation 3896688 (VCV003896688.2).